The following is an entry in ClinVar:

ClinVar aggregate classification (germline): Uncertain significance (1 of 4 stars; one submission).

Allele frequency attached by ClinVar (database versions not stated): ExAC 0.00001; gnomAD 0.00001; gnomAD exomes 0.00001 and 0.00002.
gnomAD v4.1: 28 of 1,613,054 alleles (0.0017%); highest among the groups gnomAD compares: South Asian, 0.0033%; no homozygotes.

Submission:

Labcorp Genetics (formerly Invitae), Labcorp
Classification: Uncertain significance. Last evaluated: 2021-09-01. Review status: criteria provided, single submitter. Criteria: Invitae Variant Classification Sherloc (09022015). Collection method: clinical testing. Allele origin: germline.
Comment: This sequence change replaces arginine with glutamine at codon 516 of the TONSL protein (p.Arg516Gln). The arginine residue is moderately conserved and there is a small physicochemical difference between arginine and glutamine. This variant is present in population databases (rs762814017, ExAC 0.01%). This variant has not been reported in the literature in individuals affected with TONSL-related conditions. Algorithms developed to predict the effect of missense changes on protein structure and function output the following: SIFT: "Tolerated"; PolyPhen-2: "Benign"; Align-GVGD: "Class C0". The glutamine amino acid residue is found in multiple mammalian species, which suggests that this missense change does not adversely affect protein function. In summary, the available evidence is currently insufficient to determine the role of this variant in disease. Therefore, it has been classified as a Variant of Uncertain Significance.

NM_013432.5(TONSL):c.1547G>A (p.Arg516Gln)

Genes: TONSL (tonsoku like, DNA repair protein; minus strand), TONSL-AS1 (TONSL antisense RNA 1; plus strand). Cytogenetic location: 8q24.3.
Variant type: single nucleotide variant.
Coding change: c.1547G>A on transcript NM_013432.5 (MANE Select); coding-DNA position 1547, G replaced by A.
Protein change: p.Arg516Gln; replaces arginine 516 with glutamine.
Molecular consequence: missense variant.
Genome position (GRCh38, 1-based): chr8:144,438,669, C>T on the plus strand (G>A on the coding strand, the complement: TONSL is on the minus strand). VCF-style: chr8-144438669-C-T. GRCh37 (hg19) VCF-style: chr8-145664052-C-T.
Other names: short protein forms R516Q.
Identifiers: ClinVar variation 1504588 (VCV001504588.5), dbSNP rs762814017, ClinGen allele CA4943178.